The following is an entry in ClinVar:

NM_177965.4(CFAP418):c.120C>G (p.Ser40Arg)

Genes: CFAP418 (cilia and flagella associated protein 418; minus strand), CFAP418-AS1 (CFAP418 antisense RNA 1; plus strand), LOC130000784 (ATAC-STARR-seq lymphoblastoid active region 27655; plus strand). Cytogenetic location: 8q22.1.
Variant type: single nucleotide variant.
Coding change: c.120C>G on transcript NM_177965.4 (MANE Select); coding-DNA position 120, C replaced by G.
Protein change: p.Ser40Arg; replaces serine 40 with arginine.
Molecular consequence: missense variant.
Genome position (GRCh38, 1-based): chr8:95,269,070, G>C on the plus strand (C>G on the coding strand, the complement: CFAP418 is on the minus strand). VCF-style: chr8-95269070-G-C. GRCh37 (hg19) VCF-style: chr8-96281298-G-C.
Other names: c.120C>G, p.Ser40Arg (NM_001363260.1); c.120C>G (NM_177965.3); short protein forms S40R.
Identifiers: ClinVar variation 1681148 (VCV001681148.7), dbSNP rs1262940228, ClinGen allele CA371837799.
Genomic context (GRCh38, chr8:95,269,070, plus strand): 5'-AGTCCACCCCTCCCGCCCGGTTAACCTGAGCGTCTCTTTCGCCTTGGCTTGGTTCCGGTC[G>C]CTACTGTGGGTGCCGCCGCCGCAGCCTTTGGGCTGCTCGACCATACCCCGTCTTAGAAGG-3'
Protein context (NP_808880.1, residues 30-50): PKGCGGGTHS[Ser40Arg]DRNQAKAKET

ClinVar aggregate classification (germline): Uncertain significance. Review status: criteria provided, single submitter (1 of 4 stars). 2 submissions from 2 submitters: Uncertain significance (1). 1 of the submissions does not count toward it. Last evaluated 2024-02-17.

Conditions:
CFAP418-related disorder. Also called: CFAP418-related condition.

Allele frequency attached by ClinVar (database versions not stated): gnomAD exomes 0.00002 and 0.00003; gnomAD 0.00008 and 0.00009; TOPMed 0.00011.
gnomAD v4.1: 56 of 1,614,028 alleles (0.0035%); highest among the groups gnomAD compares: Admixed American, 0.013%; no homozygotes.

Submissions (2):

Labcorp Genetics (formerly Invitae), Labcorp
Classification: Uncertain significance. Last evaluated: 2024-02-17. Review status: criteria provided, single submitter. Criteria: Invitae Variant Classification Sherloc (09022015). Collection method: clinical testing. Allele origin: germline.
Comment: This sequence change replaces serine, which is neutral and polar, with arginine, which is basic and polar, at codon 40 of the C8orf37 protein (p.Ser40Arg). This variant is present in population databases (no rsID available, gnomAD 0.006%). This variant has not been reported in the literature in individuals affected with C8orf37-related conditions. ClinVar contains an entry for this variant (Variation ID: 1681148). An algorithm developed to predict the effect of missense changes on protein structure and function (PolyPhen-2) suggests that this variant¬†is likely to be tolerated. In summary, the available evidence is currently insufficient to determine the role of this variant in disease. Therefore, it has been classified as a Variant of Uncertain Significance.

PreventionGenetics, part of Exact Sciences
Classification: Uncertain significance for CFAP418-related condition. Last evaluated: 2024-08-06. Review status: no assertion criteria provided. Collection method: clinical testing. Allele origin: germline. Not counted in ClinVar's aggregate classification.
Comment: The CFAP418 c.120C>G variant is predicted to result in the amino acid substitution p.Ser40Arg. To our knowledge, this variant has not been reported in the literature. This variant is reported in 0.0056% of alleles in individuals of Latino descent in gnomAD. At this time, the clinical significance of this variant is uncertain due to the absence of conclusive functional and genetic evidence.